The following is an entry in ClinVar:

NM_001174150.2(ARL13B):c.154A>G (p.Thr52Ala)

Gene: ARL13B (ARF like GTPase 13B; plus strand). Cytogenetic location: 3q11.2.
Variant type: single nucleotide variant.
Coding change: c.154A>G on transcript NM_001174150.2 (MANE Select); coding-DNA position 154, A replaced by G.
Protein change: p.Thr52Ala; replaces threonine 52 with alanine.
Molecular consequence: missense variant. On other transcripts: 5 prime UTR variant (1), intron variant (1).
Genome position (GRCh38, 1-based): chr3:94,003,682, A>G. VCF-style: chr3-94003682-A-G. GRCh37 (hg19) VCF-style: chr3-93722526-A-G.
Other names: c.-156A>G (NM_001174151.2); c.109A>G, p.Thr37Ala (NM_001321328.2); c.154A>G, p.Thr52Ala (NM_182896.3); c.59+23200A>G (NM_144996.4); c.154A>G (NM_182896.2); short protein forms T37A, T52A.
Identifiers: ClinVar variation 1062013 (VCV001062013.6), dbSNP rs1431090403, ClinGen allele CA353675350.

ClinVar aggregate classification (germline): Uncertain significance. Review status: criteria provided, multiple submitters, no conflicts (2 of 4 stars). 2 submissions from 2 submitters: Uncertain significance (2). Last evaluated 2023-10-25.

Conditions:
Joubert syndrome 8 (JBTS8). Identifiers: Orphanet 475, MedGen C2676771, MONDO:0012855, OMIM 612291.

Allele frequency attached by ClinVar (database versions not stated): gnomAD exomes below 0.00001.
gnomAD v4.1: 1 of 1,613,432 alleles (0.000062%); highest among the groups gnomAD compares: East Asian, 0.0022%; no homozygotes.

Submissions (2):

GeneDx
Classification: Uncertain significance. Last evaluated: 2023-10-25. Review status: criteria provided, single submitter. Criteria: GeneDx Variant Classification Process June 2021. Collection method: clinical testing. Allele origin: germline. Affected: yes.
Comment: Not observed at significant frequency in large population cohorts (gnomAD); In silico analysis supports that this missense variant has a deleterious effect on protein structure/function; Has not been previously published as pathogenic or benign to our knowledge

Labcorp Genetics (formerly Invitae), Labcorp
Classification: Uncertain significance for Joubert syndrome 8. Last evaluated: 2020-02-07. Review status: criteria provided, single submitter. Criteria: Invitae Variant Classification Sherloc (09022015). Collection method: clinical testing. Allele origin: germline.
Comment: This sequence change replaces threonine with alanine at codon 52 of the ARL13B protein (p.Thr52Ala). The threonine residue is highly conserved and there is a small physicochemical difference between threonine and alanine. This variant is not present in population databases (ExAC no frequency). This variant has not been reported in the literature in individuals with ARL13B-related conditions. Algorithms developed to predict the effect of missense changes on protein structure and function are either unavailable or do not agree on the potential impact of this missense change (SIFT: "Deleterious"; PolyPhen-2: "Probably Damaging"; Align-GVGD: "Class C0"). In summary, the available evidence is currently insufficient to determine the role of this variant in disease. Therefore, it has been classified as a Variant of Uncertain Significance.